The following is an entry in ClinVar:

NM_016169.4(SUFU):c.118G>A (p.Glu40Lys)

Gene: SUFU (SUFU negative regulator of hedgehog signaling; plus strand). Cytogenetic location: 10q24.32.
Variant type: single nucleotide variant.
Coding change: c.118G>A on transcript NM_016169.4 (MANE Select); coding-DNA position 118, G replaced by A.
Protein change: p.Glu40Lys; replaces glutamic acid 40 with lysine.
Molecular consequence: missense variant.
Genome position (GRCh38, 1-based): chr10:102,504,270, G>A. VCF-style: chr10-102504270-G-A. GRCh37 (hg19) VCF-style: chr10-104264027-G-A.
Other names: c.118G>A, p.Glu40Lys (NM_001178133.2); short protein forms E40K.
Identifiers: ClinVar variation 1691881 (VCV001691881.3), dbSNP rs2135598310, ClinGen allele CA377886538.
Genomic context (GRCh38, chr10:102,504,270, plus strand): 5'-CCGACTGCCCCCCCGGCCTTCGCTTCGCTCTTTCCCCCGGGACTGCACGCCATCTACGGA[G>A]AGTGCCGCCGCCTTTACCCTGACCAGCCGAACCCGCTCCAGGTTACCGCTATCGTCAAGT-3'
Protein context (NP_057253.2, residues 30-50): FPPGLHAIYG[Glu40Lys]CRRLYPDQPN

ClinVar aggregate classification (germline): Uncertain significance. Review status: criteria provided, multiple submitters, no conflicts (2 of 4 stars). 2 submissions from 2 submitters: Uncertain significance (2). Last evaluated 2025-07-22.

Conditions:
Gorlin syndrome. Also called: Basal cell nevus syndrome; Nevoid Basal Cell Carcinoma Syndrome. Identifiers: Orphanet 377, MedGen C0004779, MONDO:0007187.
Medulloblastoma (MDB). Also called: Medulloblastoma, somatic; MEDULLOBLASTOMA PREDISPOSITION SYNDROME. Identifiers: Orphanet 616, MedGen C0025149, MeSH D008527, MONDO:0007959, OMIM 155255, HP:0002885.
Hereditary cancer-predisposing syndrome. Also called: Neoplastic Syndromes, Hereditary; Hereditary neoplastic syndrome; Tumor predisposition; Hereditary Cancer Syndrome. Identifiers: Orphanet 140162, MedGen C0027672, MeSH D009386, MONDO:0015356.

Submissions (2):

Labcorp Genetics (formerly Invitae), Labcorp
Classification: Uncertain significance for Gorlin syndrome; Medulloblastoma. Last evaluated: 2025-07-22. Review status: criteria provided, single submitter. Criteria: Invitae Variant Classification Sherloc (09022015). Collection method: clinical testing. Allele origin: germline.
Comment: This sequence change replaces glutamic acid, which is acidic and polar, with lysine, which is basic and polar, at codon 40 of the SUFU protein (p.Glu40Lys). This variant is not present in population databases (gnomAD no frequency). This variant has not been reported in the literature in individuals affected with SUFU-related conditions. ClinVar contains an entry for this variant (Variation ID: 1691881). Invitae Evidence Modeling of protein sequence and biophysical properties (such as structural, functional, and spatial information, amino acid conservation, physicochemical variation, residue mobility, and thermodynamic stability) indicates that this missense variant is not expected to disrupt SUFU protein function with a negative predictive value of 80%. In summary, the available evidence is currently insufficient to determine the role of this variant in disease. Therefore, it has been classified as a Variant of Uncertain Significance.

Sema4
Classification: Uncertain significance for Hereditary cancer-predisposing syndrome. Last evaluated: 2021-04-19. Review status: criteria provided, single submitter. Criteria: Sema4 Curation Guidelines. Collection method: curation. Allele origin: germline.
Comment: The SUFU c.118G>A (p.E40K) variant has not been reported in the literature to our knowledge. It was not observed in the large and broad cohorts of the Genome Aggregation Database (PMID: 32461654). The variant has not been reported in ClinVar. This variant involves a highly conserved amino acid, and computational analyses do not provide strong support for or against an impact to the protein, though these predictions have not been confirmed by published functional studies. The evidence is insufficient to meet ACMG/AMP criteria for classifying the variant as benign or pathogenic. Thus, the clinical significance of this variant is currently uncertain.